The following is an entry in ClinVar:

NM_001005373.4(LRSAM1):c.1815del (p.Asp607fs)

Gene: LRSAM1 (leucine rich repeat and sterile alpha motif containing 1; plus strand). Cytogenetic location: 9q33.3.
Variant type: Deletion.
Coding change: c.1815del on transcript NM_001005373.4 (MANE Select); coding-DNA position 1815, one base deleted (A; older notation c.1815delA).
Protein change: p.Asp607fs; shifts the reading frame from aspartic acid 607.
Molecular consequence: frameshift variant. On other transcripts: non-coding transcript variant (2).
Genome position (GRCh38, 1-based): chr9:127,496,080, A deleted. VCF-style (leftmost placement, unchanged base first): chr9-127496079-CA-C. GRCh37 (hg19) VCF-style: chr9-130258358-CA-C.
Other names: c.1815delA (NM_138361.5); c.1815del, p.Asp607fs (NM_001005374.4, NM_001384142.1, NM_138361.5); c.1734del, p.Asp580fs (NM_001190723.3); c.1716del, p.Asp574fs (NM_001384143.1); c.1026del, p.Asp344fs (NM_001384144.1); short protein forms D607fs, D580fs, D344fs, D574fs.
Identifiers: ClinVar variation 859441 (VCV000859441.32), dbSNP rs747130246, ClinGen allele CA5247133.
Genomic context (GRCh38, chr9:127,496,079, plus strand): 5'-ACTACCTGCCCATCTTTGCGCACCACCGCCTCTCACTGGACCTGCTGAGCCAAATGAGCC[CA>C]GGGGACCTGGCCAAGGTGGGCAGCAGCCGTCTGCATGGAGGGGAGGGGCACGCAAGGCCG-3'

ClinVar aggregate classification (germline): Pathogenic. Review status: criteria provided, multiple submitters, no conflicts (2 of 4 stars). 3 submissions from 3 submitters: Pathogenic (3). Last evaluated 2023-10-01.

Conditions:
Charcot-Marie-Tooth disease. Also called: Charcot-Marie-Tooth Neuropathy; Charcot-Marie-Tooth Hereditary Neuropathy. Identifiers: Orphanet 166, MedGen C0007959, MONDO:0015626.
Charcot-Marie-Tooth disease axonal type 2P. Also called: CHARCOT-MARIE-TOOTH NEUROPATHY, TYPE 2P; Charcot-Marie-Tooth Neuropathy Type 2G; CHARCOT-MARIE-TOOTH DISEASE, AXONAL, TYPE 2G; CMT 2G. Identifiers: Orphanet 300319, Orphanet 99941, MedGen C3280797, MONDO:0013753, OMIM 614436.

Allele frequency attached by ClinVar (database versions not stated): ExAC 0.00001; gnomAD exomes 0.00001 and 0.00004.

Submissions (3):

CeGaT Center for Human Genetics Tuebingen
Classification: Pathogenic. Last evaluated: 2023-10-01. Review status: criteria provided, single submitter. Criteria: CeGaT Center For Human Genetics Tuebingen Variant Classification Criteria Version 2. Collection method: clinical testing. Allele origin: germline. Affected: yes. Observed: 1 variant allele.
Comment: LRSAM1: PVS1, PM2, PS4:Supporting

Labcorp Genetics (formerly Invitae), Labcorp
Classification: Pathogenic for Charcot-Marie-Tooth disease axonal type 2P. Last evaluated: 2023-07-28. Review status: criteria provided, single submitter. Criteria: Invitae Variant Classification Sherloc (09022015). Collection method: clinical testing. Allele origin: germline.
Comment: This sequence change creates a premature translational stop signal (p.Asp607Thrfs*33) in the LRSAM1 gene. It is expected to result in an absent or disrupted protein product. Loss-of-function variants in LRSAM1 are known to be pathogenic (PMID: 20865121, 33414056). This variant is present in population databases (rs747130246, gnomAD 0.002%). This variant has not been reported in the literature in individuals affected with LRSAM1-related conditions. ClinVar contains an entry for this variant (Variation ID: 859441). For these reasons, this variant has been classified as Pathogenic.

Molecular Genetics Laboratory, London Health Sciences Centre
Classification: Pathogenic for Charcot-Marie-Tooth disease. Review status: criteria provided, single submitter. Criteria: ACMG Guidelines, 2015. Collection method: clinical testing. Allele origin: germline. Affected: yes.

Literature cited by the submitters: PubMed 20865121 (cited by Labcorp Genetics (formerly Invitae), Labcorp); PubMed 33414056 (cited by Labcorp Genetics (formerly Invitae), Labcorp).